The following is an entry in ClinVar:

NM_032242.4(PLXNA1):c.487G>A (p.Val163Met)

Gene: PLXNA1 (plexin A1; plus strand). Cytogenetic location: 3q21.3.
Variant type: single nucleotide variant.
Coding change: c.487G>A on transcript NM_032242.4 (MANE Select); coding-DNA position 487, G replaced by A.
Protein change: p.Val163Met; replaces valine 163 with methionine.
Molecular consequence: missense variant.
Genome position (GRCh38, 1-based): chr3:126,989,080, G>A. VCF-style: chr3-126989080-G-A. GRCh37 (hg19) VCF-style: chr3-126707923-G-A.
Other names: short protein forms V163M.
Identifiers: ClinVar variation 3031638 (VCV003031638.2), dbSNP rs370552319, ClinGen allele CA83278530.

ClinVar aggregate classification (germline): Uncertain significance (0 of 4 stars; one submission).

Conditions:
PLXNA1-related disorder. Also called: PLXNA1-related condition.

Allele frequency attached by ClinVar (database versions not stated): gnomAD 0.00002; ESP Exome Variant Server 0.00015.
gnomAD v4.1: 21 of 1,613,284 alleles (0.0013%); highest among the groups gnomAD compares: Middle Eastern, 0.016%; no homozygotes.

Submission:

PreventionGenetics, part of Exact Sciences
Classification: Uncertain significance for PLXNA1-related condition. Last evaluated: 2023-12-19. Review status: no assertion criteria provided. Collection method: clinical testing. Allele origin: germline.
Comment: The PLXNA1 c.487G>A variant is predicted to result in the amino acid substitution p.Val163Met. To our knowledge, this variant has not been reported in the literature. This variant is reported in 0.0040% of alleles in individuals of African descent in gnomAD. At this time, the clinical significance of this variant is uncertain due to the absence of conclusive functional and genetic evidence.